The following is an entry in ClinVar:

NM_000102.4(CYP17A1):c.578del (p.Pro193fs)

Gene: CYP17A1 (cytochrome P450 family 17 subfamily A member 1; minus strand). Cytogenetic location: 10q24.32.
Variant type: Deletion.
Coding change: c.578del on transcript NM_000102.4 (MANE Select); coding-DNA position 578, one base deleted (C; older notation c.578delC).
Protein change: p.Pro193fs; shifts the reading frame from proline 193.
Molecular consequence: frameshift variant.
Genome position (GRCh38, 1-based): chr10:102,834,873, G deleted on the plus strand (C on the coding strand, the reverse complement: CYP17A1 is on the minus strand); the first of 3 consecutive G bases (chr10:102,834,873-102,834,875); deleting any one gives the same sequence. VCF-style (leftmost placement, unchanged base first): chr10-102834872-AG-A. GRCh37 (hg19) VCF-style: chr10-104594629-AG-A.
Other names: short protein forms P193fs.
Identifiers: ClinVar variation 1072800 (VCV001072800.7), dbSNP rs2134083893, ClinGen allele CA2499220140.

ClinVar aggregate classification (germline): Pathogenic (1 of 4 stars; one submission).

Submission:

Labcorp Genetics (formerly Invitae), Labcorp
Classification: Pathogenic. Last evaluated: 2020-10-01. Review status: criteria provided, single submitter. Criteria: Invitae Variant Classification Sherloc (09022015). Collection method: clinical testing. Allele origin: germline.
Comment: For these reasons, this variant has been classified as Pathogenic. Loss-of-function variants in CYP17A1 are known to be pathogenic (PMID: 17192295, 20197673, 24140098). This variant has not been reported in the literature in individuals with CYP17A1-related conditions. This variant is not present in population databases (ExAC no frequency). This sequence change creates a premature translational stop signal (p.Pro193Leufs*3) in the CYP17A1 gene. It is expected to result in an absent or disrupted protein product.

Literature cited by the submitters: PubMed 17192295; PubMed 20197673; PubMed 24140098.